The following is an entry in ClinVar:

ClinVar aggregate classification (germline): Benign. Review status: criteria provided, multiple submitters, no conflicts (2 of 4 stars). 2 submissions from 2 submitters: Benign (2). Last evaluated 2018-06-14.

Allele frequency attached by ClinVar (database versions not stated): gnomAD exomes 0.85847; 1000 Genomes Project 0.86562; 1000 Genomes Project 30x 0.86899; gnomAD 0.87420 and 0.87692; TOPMed 0.87731.
gnomAD v4.1: 694,846 of 806,988 alleles (86%); highest among the groups gnomAD compares: Admixed American, 91%; 299,770 homozygotes.

Submissions (2):

GeneDx
Classification: Benign. Last evaluated: 2018-06-14. Review status: criteria provided, single submitter. Criteria: GeneDx Variant Classification (06012015). Collection method: clinical testing. Allele origin: germline. Affected: yes.
Comment: This variant is considered likely benign or benign based on one or more of the following criteria: it is a conservative change, it occurs at a poorly conserved position in the protein, it is predicted to be benign by multiple in silico algorithms, and/or has population frequency not consistent with disease.

Breakthrough Genomics
Classification: Benign. Review status: criteria provided, single submitter. Criteria: ACMG Guidelines, 2015. Collection method: not provided. Allele origin: germline. Inheritance: Autosomal recessive inheritance. Affected: yes.

NM_001848.3(COL6A1):c.1823-196A>G

Gene: COL6A1 (collagen type VI alpha 1 chain; plus strand). Cytogenetic location: 21q22.3.
Variant type: single nucleotide variant.
Coding change: c.1823-196A>G on transcript NM_001848.3 (MANE Select); 196 bases into the intron before coding-DNA position 1823, A replaced by G.
Molecular consequence: intron variant.
Genome position (GRCh38, 1-based): chr21:46,001,057, A>G. VCF-style: chr21-46001057-A-G. GRCh37 (hg19) VCF-style: chr21-47420971-A-G.
Identifiers: ClinVar variation 679195 (VCV000679195.2), dbSNP rs7277078, ClinGen allele CA15985084.